The following is an entry in ClinVar:

ClinVar aggregate classification (germline): Benign/Likely benign. Review status: criteria provided, multiple submitters, no conflicts (2 of 4 stars). 10 submissions from 10 submitters: Benign (3); Likely benign (4). 3 of the submissions do not count toward it. Last evaluated 2026-01-31.

Conditions:
Cardiovascular phenotype. Identifiers: MedGen CN230736.
ALPK3-related disorder. Also called: ALPK3-related condition.

Allele frequency attached by ClinVar (database versions not stated): gnomAD exomes 0.00027; ExAC 0.00030; ESP Exome Variant Server 0.00290; 1000 Genomes Project 30x 0.00328; gnomAD 0.00332 and 0.00345; 1000 Genomes Project 0.00359; TOPMed 0.00386.
gnomAD v4.1: 888 of 1,502,908 alleles (0.059%); highest among the groups gnomAD compares: African/African-American, 1.2%; 4 homozygotes.

Submissions (10):

Labcorp Genetics (formerly Invitae), Labcorp
Classification: Benign. Last evaluated: 2026-01-31. Review status: criteria provided, single submitter. Criteria: Invitae Variant Classification Sherloc (09022015). Collection method: clinical testing. Allele origin: germline.

Mayo Clinic Laboratories, Mayo Clinic
Classification: Likely benign. Last evaluated: 2025-10-10. Review status: criteria provided, single submitter. Criteria: ACMG Guidelines, 2015. Collection method: clinical testing. Allele origin: germline. Observed: 5 variant alleles.
Comment: BS1, BP4, BP7

Molecular Diagnostic Laboratory for Inherited Cardiovascular Disease, Montreal Heart Institute
Classification: Benign. Last evaluated: 2025-04-09. Review status: criteria provided, single submitter. Criteria: ACMG Guidelines, 2015. Collection method: clinical testing. Allele origin: germline. Affected: no.

Women's Health and Genetics/Laboratory Corporation of America, LabCorp
Classification: Likely benign. Last evaluated: 2025-01-22. Review status: criteria provided, single submitter. Criteria: LabCorp Variant Classification Summary - May 2015. Collection method: clinical testing. Allele origin: germline.

Blueprint Genetics
Classification: Likely benign. Last evaluated: 2024-11-26. Review status: criteria provided, single submitter. Criteria: ACMG Guidelines, 2015. Collection method: clinical testing. Allele origin: germline.

GeneDx
Classification: Likely benign. Last evaluated: 2021-03-13. Review status: criteria provided, single submitter. Criteria: GeneDx Variant Classification Process June 2021. Collection method: clinical testing. Allele origin: germline. Affected: yes.

Ambry Genetics
Classification: Benign for Cardiovascular phenotype. Last evaluated: 2018-12-31. Review status: criteria provided, single submitter. Criteria: Ambry Variant Classification Scheme 2023. Collection method: clinical testing. Allele origin: germline.

PreventionGenetics, part of Exact Sciences
Classification: Benign for ALPK3-related condition. Last evaluated: 2019-08-28. Review status: no assertion criteria provided. Collection method: clinical testing. Allele origin: germline. Not counted in ClinVar's aggregate classification.
Comment: This variant is classified as benign based on ACMG/AMP sequence variant interpretation guidelines (Richards et al. 2015 PMID: 25741868, with internal and published modifications).

Clinical Genetics DNA and cytogenetics Diagnostics Lab, Erasmus MC, Erasmus Medical Center
Classification: Likely benign. Review status: no assertion criteria provided. Collection method: clinical testing. Allele origin: germline. Affected: yes. Study: VKGL Data-share Consensus. Not counted in ClinVar's aggregate classification.

Clinical Genetics, Academic Medical Center
Classification: Benign. Review status: no assertion criteria provided. Collection method: clinical testing. Allele origin: germline. Affected: yes. Study: VKGL Data-share Consensus. Not counted in ClinVar's aggregate classification.

NM_020778.5(ALPK3):c.123C>T (p.Leu41=)

Gene: ALPK3 (alpha kinase 3; plus strand). Cytogenetic location: 15q25.3.
Variant type: single nucleotide variant.
Coding change: c.123C>T on transcript NM_020778.5 (MANE Select); coding-DNA position 123, C replaced by T.
Protein change: p.Leu41=; no amino-acid change (leucine 41 retained).
Molecular consequence: synonymous variant.
Genome position (GRCh38, 1-based): chr15:84,817,575, C>T. VCF-style: chr15-84817575-C-T. GRCh37 (hg19) VCF-style: chr15-85360806-C-T.
Other names: p.Leu243=.
Identifiers: ClinVar variation 506377 (VCV000506377.21), dbSNP rs78638069, ClinGen allele CA7708842.